The following is an entry in ClinVar:

ClinVar aggregate classification (germline): Likely benign. Review status: criteria provided, multiple submitters, no conflicts (2 of 4 stars). 3 submissions from 3 submitters: Likely benign (3). Last evaluated 2025-12-13.

Conditions:
Cardiovascular phenotype. Identifiers: MedGen CN230736.
Familial hypercholesterolemia. Also called: Familial hypercholesterolemias; Familial hypercholesterolaemia. Identifiers: MedGen C0020445, MONDO:0005439.
Familial hypobetalipoproteinemia 1. Also called: Hypobetalipoproteinemia, normotriglyceridemic; Acanthocytosis with hypobetalipoproteinemia; APOB-Related Familial Hypobetalipoproteinemia. Identifiers: MedGen C4551990, MONDO:0014252, OMIM 615558.
Hypercholesterolemia, autosomal dominant, type B (FHCL2). Also called: Familial hypercholesterolemia 2; APOB-Related Familial Hypercholesterolemia, Autosomal Dominant; HYPERCHOLESTEROLEMIA, FAMILIAL, DUE TO LIGAND-DEFECTIVE APOLIPOPROTEIN B; Hyperlipoproteinemia Type IIb; Familial Hypercholesterolemia Type B; APOLIPOPROTEIN B-100, FAMILIAL DEFECTIVE. Identifiers: MedGen C1704417, MONDO:0007751, OMIM 144010.

Allele frequency attached by ClinVar (database versions not stated): ExAC 0.00001; gnomAD 0.00001; gnomAD exomes 0.00001; TOPMed 0.00002.

Submissions (3):

Labcorp Genetics (formerly Invitae), Labcorp
Classification: Likely benign for Familial hypobetalipoproteinemia 1; Hypercholesterolemia, autosomal dominant, type B. Last evaluated: 2025-12-13. Review status: criteria provided, single submitter. Criteria: Invitae Variant Classification Sherloc (09022015). Collection method: clinical testing. Allele origin: germline.

GENinCode PLC
Classification: Likely benign for Familial hypercholesterolemia. Last evaluated: 2025-01-09. Review status: criteria provided, single submitter. Criteria: ACMG Guidelines, 2015. Collection method: clinical testing. Allele origin: germline.
Comment: This is a synonymous (silent) variant that is not predicted to impact splicing and occurs at a nucleotide which is not highly conserved. This variant has been classified as Likely Benign (BP4, BP7).

Ambry Genetics
Classification: Likely benign for Cardiovascular phenotype. Last evaluated: 2024-06-09. Review status: criteria provided, single submitter. Criteria: Ambry Variant Classification Scheme 2023. Collection method: clinical testing. Allele origin: germline.

NM_000384.3(APOB):c.2994C>T (p.Asp998=)

Gene: APOB (apolipoprotein B; minus strand). Cytogenetic location: 2p24.1.
Variant type: single nucleotide variant.
Coding change: c.2994C>T on transcript NM_000384.3 (MANE Select); coding-DNA position 2994, C replaced by T.
Protein change: p.Asp998=; no amino-acid change (aspartic acid 998 retained).
Molecular consequence: synonymous variant.
Genome position (GRCh38, 1-based): chr2:21,019,728, G>A on the plus strand (C>T on the coding strand, the complement: APOB is on the minus strand). VCF-style: chr2-21019728-G-A. GRCh37 (hg19) VCF-style: chr2-21242600-G-A.
Identifiers: ClinVar variation 544112 (VCV000544112.17), dbSNP rs777501128, ClinGen allele CA057699.